The following is an entry in ClinVar:

NM_174936.4(PCSK9):c.1354+1G>A

Gene: PCSK9 (proprotein convertase subtilisin/kexin type 9; plus strand). Cytogenetic location: 1p32.3.
Variant type: single nucleotide variant.
Coding change: c.1354+1G>A on transcript NM_174936.4 (MANE Select); the canonical splice donor site of the intron after coding-DNA position 1354, G replaced by A.
Molecular consequence: splice donor variant. On other transcripts: intron variant (2).
Genome position (GRCh38, 1-based): chr1:55,058,210, G>A. VCF-style: chr1-55058210-G-A. GRCh37 (hg19) VCF-style: chr1-55523883-G-A.
Other names: c.979+1G>A (NM_001407246.1); c.1477+1G>A (NM_001407240.1); c.1357+1G>A (NM_001407242.1); c.1354+1G>A (NM_001407241.1); c.1181-289G>A (NM_001407244.1); c.1180+696G>A (NM_001407247.1); c.1297+1G>A (NM_001407243.1); c.1162+1G>A (NM_001407245.1).
Identifiers: ClinVar variation 3387450 (VCV003387450.1).

ClinVar aggregate classification (germline): Uncertain significance (1 of 4 stars; one submission).

Conditions:
Hypercholesterolemia, autosomal dominant, 3 (FHCL3). Also called: Familial Hypercholesterolemia, Autosomal Dominant, 3; PCSK9-Related Familial Hypercholesterolemia, Autosomal Dominant; Familial hypercholesterolemia 3. Identifiers: MedGen C1863551, MONDO:0011369, OMIM 603776.

Submission:

All of Us Research Program, National Institutes of Health
Classification: Uncertain significance for Hypercholesterolemia, autosomal dominant, 3. Last evaluated: 2024-08-06. Review status: criteria provided, single submitter. Criteria: ACMG Guidelines, 2015. Collection method: clinical testing. Allele origin: germline. Inheritance: Autosomal dominant inheritance. Observed: 1 variant allele, 1 heterozygote.
Comment: This study involves interpretation of variants in research participants for the purpose of population health screening. Participant phenotype was not available at the time of variant classification. Additional details can be found in publication PMID: 35346344, PMCID: PMC8962531